The following is an entry in ClinVar:

NM_000435.3(NOTCH3):c.3545G>A (p.Cys1182Tyr)

Gene: NOTCH3 (notch receptor 3; minus strand). Cytogenetic location: 19p13.12.
Variant type: single nucleotide variant.
Coding change: c.3545G>A on transcript NM_000435.3 (MANE Select); coding-DNA position 3545, G replaced by A.
Protein change: p.Cys1182Tyr; replaces cysteine 1182 with tyrosine.
Molecular consequence: missense variant.
Genome position (GRCh38, 1-based): chr19:15,179,198, C>T on the plus strand (G>A on the coding strand, the complement: NOTCH3 is on the minus strand). VCF-style: chr19-15179198-C-T. GRCh37 (hg19) VCF-style: chr19-15290009-C-T.
Other names: short protein forms C1182Y.
Identifiers: ClinVar variation 1526213 (VCV001526213.1), dbSNP rs1599380389, ClinGen allele CA404511035.
Genomic context (GRCh38, chr19:15,179,198, plus strand): 5'-CAGCGCAAACCAGTGTATCCTGGGGGACAGGTGCAGCGGAAACCACCCACCAGGTCCACG[C>T]AGGTGCCATTGTGTAGGCACCGGGGCCCTGAGTCCAGCGGTGGGCCTGGGCCGCAGTCAT-3'
Protein context (NP_000426.2, residues 1172-1192): SGPRCLHNGT[Cys1182Tyr]VDLVGGFRCT

ClinVar aggregate classification (germline): Uncertain significance (1 of 4 stars; one submission).

Conditions:
Cerebral arteriopathy, autosomal dominant, with subcortical infarcts and leukoencephalopathy, type 1 (CADASIL1). Also called: DEMENTIA, HEREDITARY MULTIINFARCT TYPE; CADASIL 1; CASIL; Cerebral arteriopathy with subcortical infarcts and leukoencephalopathy 1. Identifiers: Orphanet 136, MedGen C4551768, MONDO:0000914, OMIM 125310.

Submission:

3billion
Classification: Uncertain significance for Cerebral arteriopathy, autosomal dominant, with subcortical infarcts and leukoencephalopathy, type 1. Last evaluated: 2022-03-22. Review status: criteria provided, single submitter. Criteria: ACMG Guidelines, 2015. Collection method: clinical testing. Allele origin: germline. Affected: yes. Observed: 1 heterozygote.
Comment: The variant is not observed in the gnomAD v2.1.1 dataset. In silico tool predictions suggest damaging effect of the variant on gene or gene product (REVEL: 0.977>=0.6, 3CNET: 0.909>=0.75). A missense variant is a common mechanism . Therefore, this variant is classified as uncertain significance according to the recommendation of ACMG/AMP guideline.